The following is an entry in ClinVar:

ClinVar aggregate classification (germline): Uncertain significance (1 of 4 stars; one submission).

Conditions:
Charcot-Marie-Tooth disease type 4. Also called: Charcot-Marie-Tooth disease, type IV; Charcot-Marie-Tooth, Type 4. Identifiers: Orphanet 64749, MedGen C4082197, MONDO:0018995.

Allele frequency attached by ClinVar (database versions not stated): gnomAD exomes below 0.00001 and 0.00002.
gnomAD v4.1: 25 of 1,613,998 alleles (0.0015%); highest among the groups gnomAD compares: Non-Finnish European, 0.002%; no homozygotes.

Submission:

Labcorp Genetics (formerly Invitae), Labcorp
Classification: Uncertain significance for Charcot-Marie-Tooth disease type 4. Last evaluated: 2017-02-15. Review status: criteria provided, single submitter. Criteria: Invitae Variant Classification Sherloc (09022015). Collection method: clinical testing. Allele origin: germline.
Comment: Algorithms developed to predict the effect of missense changes on protein structure and function (SIFT, PolyPhen-2, Align-GVGD) all suggest that this variant is likely to be tolerated, but these predictions have not been confirmed by published functional studies. This variant is not present in population databases (ExAC no frequency) and has not been reported in the literature in individuals with a FGD4-related disease. This sequence change replaces glutamic acid with glycine at codon 180 of the FGD4 protein (p.Glu180Gly). The glutamic acid residue is highly conserved and there is a moderate physicochemical difference between glutamic acid and glycine. In summary, this variant is a novel missense change that is not predicted to affect protein function. There is no indication that it causes disease, but the available evidence is currently insufficient to prove that conclusively. Therefore, it has been classified as a Variant of Uncertain Significance.

NM_001370298.3(FGD4):c.950A>G (p.Glu317Gly)

Gene: FGD4 (FYVE, RhoGEF and PH domain containing 4; plus strand). Cytogenetic location: 12p11.21.
Variant type: single nucleotide variant.
Coding change: c.950A>G on transcript NM_001370298.3 (MANE Select); coding-DNA position 950, A replaced by G.
Protein change: p.Glu317Gly; replaces glutamic acid 317 with glycine.
Molecular consequence: missense variant. On other transcripts: 5 prime UTR variant (2), non-coding transcript variant (1), intron variant (1).
Genome position (GRCh38, 1-based): chr12:32,582,406, A>G. VCF-style: chr12-32582406-A-G. GRCh37 (hg19) VCF-style: chr12-32735340-A-G.
Other names: c.794A>G, p.Glu265Gly (NM_001304481.2); c.-306A>G (NM_001304483.2); c.-613A>G (NM_001304484.2); c.260A>G, p.Glu87Gly (NM_001330373.2, NM_001330374.2, NM_001384130.1); c.950A>G, p.Glu317Gly (NM_001384126.1); c.539A>G, p.Glu180Gly (NM_001384127.1, NM_001384128.1, NM_001384131.1 and 3 more transcripts); c.49-16091A>G (NM_001370297.1); short protein forms E180G, E265G, E87G, E317G.
Identifiers: ClinVar variation 476943 (VCV000476943.6), dbSNP rs1452437045, ClinGen allele CA384356469.